The following is an entry in ClinVar:

ClinVar aggregate classification (germline): Uncertain significance (1 of 4 stars; one submission).

Conditions:
Severe combined immunodeficiency due to IKK2 deficiency. Also called: Immunodeficiency 15; IMMUNODEFICIENCY 15B. Identifiers: Orphanet 397787, MedGen C4747743, MONDO:0014267, OMIM 615592.

Submission:

Labcorp Genetics (formerly Invitae), Labcorp
Classification: Uncertain significance for Severe combined immunodeficiency due to IKK2 deficiency. Last evaluated: 2022-04-30. Review status: criteria provided, single submitter. Criteria: Invitae Variant Classification Sherloc (09022015). Collection method: clinical testing. Allele origin: germline.
Comment: This variant has not been reported in the literature in individuals affected with IKBKB-related conditions. Advanced modeling of protein sequence and biophysical properties (such as structural, functional, and spatial information, amino acid conservation, physicochemical variation, residue mobility, and thermodynamic stability) performed at Invitae indicates that this missense variant is not expected to disrupt IKBKB protein function. This variant is not present in population databases (gnomAD no frequency). In summary, the available evidence is currently insufficient to determine the role of this variant in disease. Therefore, it has been classified as a Variant of Uncertain Significance. This sequence change replaces threonine, which is neutral and polar, with asparagine, which is neutral and polar, at codon 185 of the IKBKB protein (p.Thr185Asn).

NM_001556.3(IKBKB):c.554C>A (p.Thr185Asn)

Gene: IKBKB (inhibitor of nuclear factor kappa B kinase subunit beta; plus strand). Cytogenetic location: 8p11.21.
Variant type: single nucleotide variant.
Coding change: c.554C>A on transcript NM_001556.3 (MANE Select); coding-DNA position 554, C replaced by A.
Protein change: p.Thr185Asn; replaces threonine 185 with asparagine.
Molecular consequence: missense variant. On other transcripts: non-coding transcript variant (3).
Genome position (GRCh38, 1-based): chr8:42,306,419, C>A. VCF-style: chr8-42306419-C-A. GRCh37 (hg19) VCF-style: chr8-42163937-C-A.
Other names: c.362C>A, p.Thr121Asn (NM_001190720.3); c.377C>A, p.Thr126Asn (NM_001242778.2); short protein forms T121N, T126N, T185N.
Identifiers: ClinVar variation 2132378 (VCV002132378.4), dbSNP rs2487520816, ClinGen allele CA371094830.